The following is an entry in ClinVar:

NM_001330288.2(SMARCC2):c.1528A>G (p.Ile510Val)

Gene: SMARCC2 (SWI/SNF related BAF chromatin remodeling complex subunit C2; minus strand). Cytogenetic location: 12q13.2.
Variant type: single nucleotide variant.
Coding change: c.1528A>G on transcript NM_001330288.2 (MANE Select); coding-DNA position 1528, A replaced by G.
Protein change: p.Ile510Val; replaces isoleucine 510 with valine.
Molecular consequence: missense variant.
Genome position (GRCh38, 1-based): chr12:56,173,818, T>C on the plus strand (A>G on the coding strand, the complement: SMARCC2 is on the minus strand). VCF-style: chr12-56173818-T-C. GRCh37 (hg19) VCF-style: chr12-56567602-T-C.
Other names: c.1528A>G, p.Ile510Val (NM_001130420.3, NM_003075.5, NM_139067.4); short protein forms I510V.
Identifiers: ClinVar variation 3346551 (VCV003346551.1).

ClinVar aggregate classification (germline): Uncertain significance (0 of 4 stars; one submission).

Conditions:
SMARCC2-related disorder. Also called: SMARCC2-related condition.

gnomAD v4.1: 2 of 1,613,852 alleles (0.00012%); highest among the groups gnomAD compares: Admixed American, 0.0033%; no homozygotes.

Submission:

PreventionGenetics, part of Exact Sciences
Classification: Uncertain significance for SMARCC2-related condition. Last evaluated: 2024-09-04. Review status: no assertion criteria provided. Collection method: clinical testing. Allele origin: germline.
Comment: The SMARCC2 c.1528A>G variant is predicted to result in the amino acid substitution p.Ile510Val. To our knowledge, this variant has not been reported in the literature. This variant is reported in 0.0058% of alleles in individuals of Latino descent in gnomAD. At this time, the clinical significance of this variant is uncertain due to the absence of conclusive functional and genetic evidence.